The following is an entry in ClinVar:

NM_153266.4(TMEM151A):c.308T>C (p.Leu103Pro)

Gene: TMEM151A (transmembrane protein 151A; plus strand). Cytogenetic location: 11q13.2.
Variant type: single nucleotide variant.
Coding change: c.308T>C on transcript NM_153266.4 (MANE Select); coding-DNA position 308, T replaced by C.
Protein change: p.Leu103Pro; replaces leucine 103 with proline.
Molecular consequence: missense variant.
Genome position (GRCh38, 1-based): chr11:66,294,554, T>C. VCF-style: chr11-66294554-T-C. GRCh37 (hg19) VCF-style: chr11-66062025-T-C.
Other names: short protein forms L103P.
Identifiers: ClinVar variation 4279059 (VCV004279059.1).

ClinVar aggregate classification (germline): Uncertain significance (1 of 4 stars; one submission).

Conditions:
Episodic kinesigenic dyskinesia 3 (EKD3). Also called: DYSTONIA 36. Identifiers: MedGen C5830280, MONDO:0859380, OMIM 620245.

Submission:

Institute of Immunology and Genetics Kaiserslautern
Classification: Uncertain significance for Episodic kinesigenic dyskinesia 3. Last evaluated: 2025-07-15. Review status: criteria provided, single submitter. Criteria: ACMG Guidelines, 2015. Collection method: clinical testing. Allele origin: germline. Affected: yes.
Comment: ACMG Criteria: PM2_P; Variant was found in heterozygous state.